The following is an entry in ClinVar:

NM_004655.4(AXIN2):c.1344G>A (p.Lys448=)

Gene: AXIN2 (axin 2; minus strand). Cytogenetic location: 17q24.1.
Variant type: single nucleotide variant.
Coding change: c.1344G>A on transcript NM_004655.4 (MANE Select); coding-DNA position 1344, G replaced by A.
Protein change: p.Lys448=; no amino-acid change (lysine 448 retained).
Molecular consequence: synonymous variant.
Genome position (GRCh38, 1-based): chr17:65,537,692, C>T on the plus strand (G>A on the coding strand, the complement: AXIN2 is on the minus strand). VCF-style: chr17-65537692-C-T. GRCh37 (hg19) VCF-style: chr17-63533810-C-T.
Other names: c.1344G>A, p.Lys448= (NM_001363813.1); c.1344G>A (NM_004655.3).
Identifiers: ClinVar variation 1544395 (VCV001544395.11), dbSNP rs2144465376, ClinGen allele CA501691249.

ClinVar aggregate classification (germline): Benign/Likely benign. Review status: criteria provided, multiple submitters, no conflicts (2 of 4 stars). 3 submissions from 3 submitters: Benign (1); Likely benign (2). Last evaluated 2025-08-22.

Conditions:
Hereditary cancer-predisposing syndrome. Also called: Hereditary neoplastic syndrome; Tumor predisposition; Neoplastic Syndromes, Hereditary; Hereditary Cancer Syndrome. Identifiers: Orphanet 140162, MedGen C0027672, MeSH D009386, MONDO:0015356.
Oligodontia-cancer predisposition syndrome. Also called: TOOTH AGENESIS-COLORECTAL CANCER SYNDROME. Identifiers: Orphanet 300576, MedGen C1837750, MONDO:0012075, OMIM 608615. Disease mechanism: loss of function.

Submissions (3):

Ambry Genetics
Classification: Likely benign for Hereditary cancer-predisposing syndrome. Last evaluated: 2025-08-22. Review status: criteria provided, single submitter. Criteria: Ambry Variant Classification Scheme 2023. Collection method: clinical testing. Allele origin: germline.

Myriad Genetics, Inc.
Classification: Benign for Oligodontia-cancer predisposition syndrome. Last evaluated: 2024-07-02. Review status: criteria provided, single submitter. Criteria: Myriad Autosomal Dominant, Autosomal Recessive and X-Linked Classification Criteria (2023). Collection method: clinical testing. Allele origin: unknown.
Comment: This variant is considered benign. This variant is a silent/synonymous amino acid change and it is not expected to impact splicing.

Labcorp Genetics (formerly Invitae), Labcorp
Classification: Likely benign for Oligodontia-cancer predisposition syndrome. Last evaluated: 2022-01-26. Review status: criteria provided, single submitter. Criteria: Invitae Variant Classification Sherloc (09022015). Collection method: clinical testing. Allele origin: germline.